The following is an entry in ClinVar:

ClinVar aggregate classification (germline): Uncertain significance (1 of 4 stars; one submission).

Conditions:
Congenital disorder of glycosylation, type Iaa. Also called: Congenital disorder of glycosylation, type 1aa. Identifiers: MedGen C4310727, MONDO:0014904, OMIM 617082.

gnomAD v4.1: 1 of 1,612,368 alleles (0.000062%); no homozygotes.

Submission:

Labcorp Genetics (formerly Invitae), Labcorp
Classification: Uncertain significance for Congenital disorder of glycosylation, type Iaa. Last evaluated: 2024-12-24. Review status: criteria provided, single submitter. Criteria: Invitae Variant Classification Sherloc (09022015). Collection method: clinical testing. Allele origin: germline.
Comment: This sequence change replaces serine, which is neutral and polar, with cysteine, which is neutral and slightly polar, at codon 265 of the NUS1 protein (p.Ser265Cys). This variant is not present in population databases (gnomAD no frequency). This variant has not been reported in the literature in individuals affected with NUS1-related conditions. An algorithm developed to predict the effect of missense changes on protein structure and function (PolyPhen-2) suggests that this variant is likely to be disruptive. In summary, the available evidence is currently insufficient to determine the role of this variant in disease. Therefore, it has been classified as a Variant of Uncertain Significance.

NM_138459.5(NUS1):c.794C>G (p.Ser265Cys)

Gene: NUS1 (NUS1 dehydrodolichyl diphosphate synthase subunit; plus strand). Cytogenetic location: 6q22.1.
Variant type: single nucleotide variant.
Coding change: c.794C>G on transcript NM_138459.5 (MANE Select); coding-DNA position 794, C replaced by G.
Protein change: p.Ser265Cys; replaces serine 265 with cysteine.
Molecular consequence: missense variant.
Genome position (GRCh38, 1-based): chr6:117,706,927, C>G. VCF-style: chr6-117706927-C-G. GRCh37 (hg19) VCF-style: chr6-118028090-C-G.
Other names: short protein forms S265C.
Identifiers: ClinVar variation 3645473 (VCV003645473.2).